The following is an entry in ClinVar:

ClinVar aggregate classification (germline): Uncertain significance (1 of 4 stars; one submission).

Submission:

GeneDx
Classification: Uncertain significance. Last evaluated: 2026-08-27. Review status: criteria provided, single submitter. Criteria: GeneDx Variant Classification Process June 2021. Collection method: clinical testing. Allele origin: germline.
Comment: Not observed at significant frequency in large population cohorts (gnomAD); In silico analysis supports that this missense variant has a deleterious effect on protein structure/function; Has not been previously published as pathogenic or benign to our knowledge

NM_002911.4(UPF1):c.599A>G (p.Lys200Arg)

Gene: UPF1 (UPF1 RNA helicase and ATPase; plus strand). Cytogenetic location: 19p13.11.
Variant type: single nucleotide variant.
Coding change: c.599A>G on transcript NM_002911.4 (MANE Select); coding-DNA position 599, A replaced by G.
Protein change: p.Lys200Arg; replaces lysine 200 with arginine.
Molecular consequence: missense variant.
Genome position (GRCh38, 1-based): chr19:18,850,212, A>G. VCF-style: chr19-18850212-A-G. GRCh37 (hg19) VCF-style: chr19-18961021-A-G.
Other names: c.599A>G, p.Lys200Arg (NM_001297549.2); short protein forms K200R.
Identifiers: ClinVar variation 3363309 (VCV003363309.2).